The following is an entry in ClinVar:

NM_138694.4(PKHD1):c.6818C>T (p.Thr2273Met)

Gene: PKHD1 (PKHD1 ciliary IPT domain containing fibrocystin/polyductin; minus strand). Cytogenetic location: 6p12.2.
Variant type: single nucleotide variant.
Coding change: c.6818C>T on transcript NM_138694.4 (MANE Select); coding-DNA position 6818, C replaced by T.
Protein change: p.Thr2273Met; replaces threonine 2273 with methionine.
Molecular consequence: missense variant.
Genome position (GRCh38, 1-based): chr6:51,904,033, G>A on the plus strand (C>T on the coding strand, the complement: PKHD1 is on the minus strand). VCF-style: chr6-51904033-G-A. GRCh37 (hg19) VCF-style: chr6-51768831-G-A.
Other names: c.6818C>T, p.Thr2273Met (NM_170724.3); short protein forms T2273M.
Identifiers: ClinVar variation 1803170 (VCV001803170.3), dbSNP rs375784210, ClinGen allele CA3852157.
Genomic context (GRCh38, chr6:51,904,033, plus strand): 5'-TTTACATATTTACCATCTTTCCTTCCATGAATTGCCTCCCAGGAGATATATCTCATCTCC[G>A]TGCATGTCCCTGAGAACAAAAGACCCCATTACTTGAGTATATTTTATGTCACTTAGGAAA-3'
Protein context (NP_619639.3, residues 2263-2283): LGHALLVGTC[Thr2273Met]EMRYISWEAI

ClinVar aggregate classification (germline): Uncertain significance. Review status: criteria provided, multiple submitters, no conflicts (2 of 4 stars). 2 submissions from 2 submitters: Uncertain significance (2). Last evaluated 2024-11-11.

Conditions:
PKHD1-related disorder. Also called: PKHD1-related condition.
Polycystic kidney disease 4 (PKD4). Also called: Autosomal Recessive Polycystic Kidney Disease – PKHD1; POLYCYSTIC KIDNEY AND HEPATIC DISEASE 1; POLYCYSTIC KIDNEY DISEASE, INFANTILE, TYPE I; PKD3; POLYCYSTIC KIDNEY DISEASE 4 WITH OR WITHOUT POLYCYSTIC LIVER DISEASE. Identifiers: MedGen C4540575, MONDO:0033004, OMIM 263200.

Allele frequency attached by ClinVar (database versions not stated): ExAC 0.00001; gnomAD 0.00002; TOPMed 0.00004; ESP Exome Variant Server 0.00008.
gnomAD v4.1: 22 of 1,591,632 alleles (0.0014%); highest among the groups gnomAD compares: African/African-American, 0.004%; no homozygotes.

Submissions (2):

PreventionGenetics, part of Exact Sciences
Classification: Uncertain significance for PKHD1-related condition. Last evaluated: 2024-11-11. Review status: criteria provided, single submitter. Criteria: ACMG Guidelines, 2015. Collection method: clinical testing. Allele origin: germline.
Comment: The PKHD1 c.6818C>T variant is predicted to result in the amino acid substitution p.Thr2273Met. To our knowledge, this variant has not been reported in the literature. This variant is reported in 0.0081% of alleles in individuals of African descent in gnomAD. At this time, the clinical significance of this variant is uncertain due to the absence of conclusive functional and genetic evidence.

Genetics and Molecular Pathology, SA Pathology
Classification: Uncertain significance for Polycystic kidney disease 4. Last evaluated: 2020-05-19. Review status: criteria provided, single submitter. Criteria: ACMG Guidelines, 2015. Collection method: clinical testing. Allele origin: germline. Affected: yes.